The following is an entry in ClinVar:

ClinVar aggregate classification (germline): Uncertain significance. Review status: criteria provided, multiple submitters, no conflicts (2 of 4 stars). 2 submissions from 2 submitters: Uncertain significance (2). Last evaluated 2025-08-08.

Conditions:
Inborn genetic diseases. Identifiers: MedGen C0950123, MeSH D030342.

Allele frequency attached by ClinVar (database versions not stated): gnomAD exomes below 0.00001; gnomAD 0.00001; TOPMed 0.00001.
gnomAD v4.1: 10 of 1,614,004 alleles (0.00062%); highest among the groups gnomAD compares: Admixed American, 0.0067%; no homozygotes.

Submissions (2):

Ambry Genetics
Classification: Uncertain significance for Inborn genetic diseases. Last evaluated: 2025-08-08. Review status: criteria provided, single submitter. Criteria: Ambry Variant Classification Scheme 2023. Collection method: clinical testing. Allele origin: germline.

Labcorp Genetics (formerly Invitae), Labcorp
Classification: Uncertain significance. Last evaluated: 2023-11-27. Review status: criteria provided, single submitter. Criteria: Invitae Variant Classification Sherloc (09022015). Collection method: clinical testing. Allele origin: germline.
Comment: This sequence change replaces alanine, which is neutral and non-polar, with glutamic acid, which is acidic and polar, at codon 1398 of the LCT protein (p.Ala1398Glu). This variant is not present in population databases (gnomAD no frequency). This variant has not been reported in the literature in individuals affected with LCT-related conditions. ClinVar contains an entry for this variant (Variation ID: 1060271). Advanced modeling of protein sequence and biophysical properties (such as structural, functional, and spatial information, amino acid conservation, physicochemical variation, residue mobility, and thermodynamic stability) performed at Invitae indicates that this missense variant is expected to disrupt LCT protein function with a positive predictive value of 80%. In summary, the available evidence is currently insufficient to determine the role of this variant in disease. Therefore, it has been classified as a Variant of Uncertain Significance.

NM_002299.4(LCT):c.4193C>A (p.Ala1398Glu)

Gene: LCT (lactase; minus strand). Cytogenetic location: 2q21.3.
Variant type: single nucleotide variant.
Coding change: c.4193C>A on transcript NM_002299.4 (MANE Select); coding-DNA position 4193, C replaced by A.
Protein change: p.Ala1398Glu; replaces alanine 1398 with glutamic acid.
Molecular consequence: missense variant.
Genome position (GRCh38, 1-based): chr2:135,805,038, G>T on the plus strand (C>A on the coding strand, the complement: LCT is on the minus strand). VCF-style: chr2-135805038-G-T. GRCh37 (hg19) VCF-style: chr2-136562608-G-T.
Other names: c.4193C>A (NM_002299.2); short protein forms A1398E.
Identifiers: ClinVar variation 1060271 (VCV001060271.10), dbSNP rs1180768742, ClinGen allele CA348596646.